The following is an entry in ClinVar:

ClinVar aggregate classification (germline): Uncertain significance. Review status: criteria provided, multiple submitters, no conflicts (2 of 4 stars). 3 submissions from 3 submitters: Uncertain significance (3). Last evaluated 2025-07-18.

Conditions:
Colorectal cancer, susceptibility to, 1. Also called: COLORECTAL ADENOMA AND CANCER, SUSCEPTIBILITY TO; COLORECTAL CANCER, SUSCEPTIBILITY TO, ON CHROMOSOME 9. Identifiers: MedGen C1837315, MONDO:0012132, OMIM 608812.

Allele frequency attached by ClinVar (database versions not stated): ExAC 0.00001; gnomAD 0.00001; gnomAD exomes 0.00001; TOPMed 0.00001.
gnomAD v4.1: 5 of 1,614,040 alleles (0.00031%); highest among the groups gnomAD compares: Admixed American, 0.005%; no homozygotes.

Submissions (3):

Labcorp Genetics (formerly Invitae), Labcorp
Classification: Uncertain significance. Last evaluated: 2025-07-18. Review status: criteria provided, single submitter. Criteria: Invitae Variant Classification Sherloc (09022015). Collection method: clinical testing. Allele origin: germline.
Comment: This sequence change replaces aspartic acid, which is acidic and polar, with asparagine, which is neutral and polar, at codon 514 of the GALNT12 protein (p.Asp514Asn). This variant is present in population databases (rs777152516, gnomAD 0.003%). This variant has not been reported in the literature in individuals affected with GALNT12-related conditions. ClinVar contains an entry for this variant (Variation ID: 1774844). Invitae Evidence Modeling of protein sequence and biophysical properties (such as structural, functional, and spatial information, amino acid conservation, physicochemical variation, residue mobility, and thermodynamic stability) indicates that this missense variant is not expected to disrupt GALNT12 protein function with a negative predictive value of 80%. In summary, the available evidence is currently insufficient to determine the role of this variant in disease. Therefore, it has been classified as a Variant of Uncertain Significance.

Ambry Genetics
Classification: Uncertain significance. Last evaluated: 2024-03-27. Review status: criteria provided, single submitter. Criteria: Ambry Variant Classification Scheme 2023. Collection method: clinical testing. Allele origin: germline.
Comment: The p.D514N variant (also known as c.1540G>A), located in coding exon 9 of the GALNT12 gene, results from a G to A substitution at nucleotide position 1540. The aspartic acid at codon 514 is replaced by asparagine, an amino acid with highly similar properties. This amino acid position is well conserved in available vertebrate species. In addition, this alteration is predicted to be tolerated by in silico analysis. Since supporting evidence is limited at this time, the clinical significance of this alteration remains unclear.

Baylor Genetics
Classification: Uncertain significance for Colorectal cancer, susceptibility to, 1. Last evaluated: 2023-08-20. Review status: criteria provided, single submitter. Criteria: ACMG Guidelines, 2015. Collection method: clinical testing. Allele origin: unknown.

NM_024642.5(GALNT12):c.1540G>A (p.Asp514Asn)

Gene: GALNT12 (polypeptide N-acetylgalactosaminyltransferase 12; plus strand). Cytogenetic location: 9q22.33.
Variant type: single nucleotide variant.
Coding change: c.1540G>A on transcript NM_024642.5 (MANE Select); coding-DNA position 1540, G replaced by A.
Protein change: p.Asp514Asn; replaces aspartic acid 514 with asparagine.
Molecular consequence: missense variant.
Genome position (GRCh38, 1-based): chr9:98,846,058, G>A. VCF-style: chr9-98846058-G-A. GRCh37 (hg19) VCF-style: chr9-101608340-G-A.
Other names: short protein forms D514N.
Identifiers: ClinVar variation 1774844 (VCV001774844.8), dbSNP rs777152516, ClinGen allele CA5154310.